The following is an entry in ClinVar:

NM_194248.3(OTOF):c.*204G>A

Gene: OTOF (otoferlin; minus strand). Cytogenetic location: 2p23.3.
Variant type: single nucleotide variant.
Coding change: c.*204G>A on transcript NM_194248.3 (MANE Select); 204 bases downstream of the stop codon, G replaced by A.
Molecular consequence: 3 prime UTR variant.
Genome position (GRCh38, 1-based): chr2:26,458,034, C>T on the plus strand (G>A on the coding strand, the complement: OTOF is on the minus strand). VCF-style: chr2-26458034-C-T. GRCh37 (hg19) VCF-style: chr2-26680902-C-T.
Other names: c.*6G>A (NM_001287489.2, NM_194323.3); c.*204G>A (NM_004802.4, NM_194322.3).
Identifiers: ClinVar variation 505347 (VCV000505347.5), dbSNP rs775320200, ClinGen allele CA1562612.

ClinVar aggregate classification (germline): Likely benign (1 of 4 stars; one submission).

Allele frequency attached by ClinVar (database versions not stated): gnomAD 0.00001 and 0.00002; gnomAD exomes 0.00001; TOPMed 0.00002; ExAC 0.00003.
gnomAD v4.1: 21 of 1,609,248 alleles (0.0013%); highest among the groups gnomAD compares: Middle Eastern, 0.017%; no homozygotes.

Submission:

Laboratory for Molecular Medicine, Mass General Brigham Personalized Medicine
Classification: Likely benign. Last evaluated: 2016-09-10. Review status: criteria provided, single submitter. Criteria: LMM Criteria. Collection method: clinical testing. Allele origin: germline. Observed: 1 variant allele.
Comment: The *204G>A variant in OTOF is not expected to have clinical significance since it is located in the 3'UTR of all OTOF transcripts and occurs in a weakly conser ved region of the 3'UTR with several mammals have an adenine at that position. I t hasbeen identified in 1/868 chromosomes of individuals of unknown ethnic backg round, and in 2/65476 chromosomes of European individuals by the Exome Aggregate Consortium Database